The following is an entry in ClinVar:

NM_032228.6(FAR1):c.1400G>A (p.Arg467His)

Gene: FAR1 (fatty acyl-CoA reductase 1; plus strand). Cytogenetic location: 11p15.3.
Variant type: single nucleotide variant.
Coding change: c.1400G>A on transcript NM_032228.6 (MANE Select); coding-DNA position 1400, G replaced by A.
Protein change: p.Arg467His; replaces arginine 467 with histidine.
Molecular consequence: missense variant.
Genome position (GRCh38, 1-based): chr11:13,728,626, G>A. VCF-style: chr11-13728626-G-A. GRCh37 (hg19) VCF-style: chr11-13750173-G-A.
Other names: c.1400G>A (NM_032228.5); short protein forms R467H.
Identifiers: ClinVar variation 2421305 (VCV002421305.10), dbSNP rs149584748, ClinGen allele CA5893559.

ClinVar aggregate classification (germline): Uncertain significance. Review status: criteria provided, multiple submitters, no conflicts (2 of 4 stars). 3 submissions from 3 submitters: Uncertain significance (3). Last evaluated 2025-10-26.

Conditions:
Inborn genetic diseases. Identifiers: MedGen C0950123, MeSH D030342.

Allele frequency attached by ClinVar (database versions not stated): gnomAD exomes 0.00003; gnomAD 0.00005; TOPMed 0.00005; ExAC 0.00006; ESP Exome Variant Server 0.00008.
gnomAD v4.1: 53 of 1,611,144 alleles (0.0033%); highest among the groups gnomAD compares: Non-Finnish European, 0.0042%; no homozygotes.

Submissions (3):

Labcorp Genetics (formerly Invitae), Labcorp
Classification: Uncertain significance. Last evaluated: 2025-10-26. Review status: criteria provided, single submitter. Criteria: Invitae Variant Classification Sherloc (09022015). Collection method: clinical testing. Allele origin: germline.
Comment: This sequence change replaces arginine, which is basic and polar, with histidine, which is basic and polar, at codon 467 of the FAR1 protein (p.Arg467His). This variant is present in population databases (rs149584748, gnomAD 0.006%). This variant has not been reported in the literature in individuals affected with FAR1-related conditions. ClinVar contains an entry for this variant (Variation ID: 2421305). An algorithm developed to predict the effect of missense changes on protein structure and function (PolyPhen-2) suggests that this variant is likely to be tolerated. In summary, the available evidence is currently insufficient to determine the role of this variant in disease. Therefore, it has been classified as a Variant of Uncertain Significance.

Ambry Genetics
Classification: Uncertain significance for Inborn genetic diseases. Last evaluated: 2023-05-23. Review status: criteria provided, single submitter. Criteria: Ambry Variant Classification Scheme 2023. Collection method: clinical testing. Allele origin: germline.

Blueprint Genetics
Classification: Uncertain significance. Last evaluated: 2022-06-15. Review status: criteria provided, single submitter. Criteria: ACMG Guidelines, 2015. Collection method: clinical testing. Allele origin: germline.